The following is an entry in ClinVar:

ClinVar aggregate classification (germline): Pathogenic (1 of 4 stars; one submission).

Submission:

Labcorp Genetics (formerly Invitae), Labcorp
Classification: Pathogenic. Last evaluated: 2025-10-09. Review status: criteria provided, single submitter. Criteria: Invitae Variant Classification Sherloc (09022015). Collection method: clinical testing. Allele origin: germline.
Comment: This sequence change creates a premature translational stop signal (p.Asn1387Thrfs*14) in the TUBGCP6 gene. It is expected to result in an absent or disrupted protein product. Loss-of-function variants in TUBGCP6 are known to be pathogenic (PMID: 25344692). This variant is not present in population databases (gnomAD no frequency). This variant has not been reported in the literature in individuals affected with TUBGCP6-related conditions. ClinVar contains an entry for this variant (Variation ID: 1906900). Algorithms developed to predict the effect of sequence changes on RNA splicing suggest that this variant may disrupt the consensus splice site. For these reasons, this variant has been classified as Pathogenic.

Literature cited by the submitters: PubMed 25344692.

NM_020461.4(TUBGCP6):c.4160_4164del (p.Asn1387fs)

Gene: TUBGCP6 (tubulin gamma complex component 6; minus strand). Cytogenetic location: 22q13.33.
Variant type: Deletion.
Coding change: c.4160_4164del on transcript NM_020461.4 (MANE Select); coding-DNA positions 4160 to 4164, 5 bases deleted (ACTCA; older notation c.4160_4164delACTCA).
Protein change: p.Asn1387fs; shifts the reading frame from asparagine 1387.
Molecular consequence: frameshift variant.
Genome position (GRCh38, 1-based): chr22:50,219,960-50,219,964, TGAGT deleted on the plus strand (ACTCA on the coding strand, the reverse complement: TUBGCP6 is on the minus strand); deleting any 5 consecutive bases within chr22:50,219,960-50,219,968 gives the same sequence; the c. name uses the placement nearest the transcript's 3' end. VCF-style (leftmost placement, unchanged base first): chr22-50219959-GTGAGT-G. GRCh37 (hg19) VCF-style: chr22-50658388-GTGAGT-G.
Other names: short protein forms N1387fs.
Identifiers: ClinVar variation 1906900 (VCV001906900.5), dbSNP rs1311916818, ClinGen allele CA754037897.
Genomic context (GRCh38, chr22:50,219,959, plus strand): 5'-CTAGAGGGACAGAGCCCTCCCTGCCTGCTGTGGGACCCCCAGGCTGCATCCACCTAACCT[GTGAGT>G]TGAGAGGCCAATTTGGAGAGAGGTCCTCAGTGTCCCCGCTCCTCCCAGGGCCTGTGTGGA-3'